The following is an entry in ClinVar:

NM_152384.3(BBS5):c.235A>G (p.Ile79Val)

Gene: BBS5 (Bardet-Biedl syndrome 5; plus strand). Cytogenetic location: 2q31.1.
Variant type: single nucleotide variant.
Coding change: c.235A>G on transcript NM_152384.3 (MANE Select); coding-DNA position 235, A replaced by G.
Protein change: p.Ile79Val; replaces isoleucine 79 with valine.
Molecular consequence: missense variant.
Genome position (GRCh38, 1-based): chr2:169,487,832, A>G. VCF-style: chr2-169487832-A-G. GRCh37 (hg19) VCF-style: chr2-170344342-A-G.
Other names: short protein forms I79V.
Identifiers: ClinVar variation 3346397 (VCV003346397.1).

ClinVar aggregate classification (germline): Uncertain significance (0 of 4 stars; one submission).

Conditions:
BBS5-related disorder. Also called: BBS5-related condition.

Submission:

PreventionGenetics, part of Exact Sciences
Classification: Uncertain significance for BBS5-related condition. Last evaluated: 2024-06-16. Review status: no assertion criteria provided. Collection method: clinical testing. Allele origin: germline.
Comment: The BBS5 c.235A>G variant is predicted to result in the amino acid substitution p.Ile79Val. To our knowledge, this variant has not been reported in the literature or in a large population database, indicating this variant is rare. At this time, the clinical significance of this variant is uncertain due to the absence of conclusive functional and genetic evidence.